The following is an entry in ClinVar:

ClinVar aggregate classification (germline): Uncertain significance (1 of 4 stars; one submission).

Conditions:
Inborn genetic diseases. Identifiers: MedGen C0950123, MeSH D030342.

gnomAD v4.1: 2 of 1,611,582 alleles (0.00012%); highest among the groups gnomAD compares: Admixed American, 0.0017%; no homozygotes.

Submission:

Ambry Genetics
Classification: Uncertain significance for Inborn genetic diseases. Last evaluated: 2025-09-25. Review status: criteria provided, single submitter. Criteria: Ambry Variant Classification Scheme 2023. Collection method: clinical testing. Allele origin: germline.
Comment: The p.S186T variant (also known as c.557G>C), located in coding exon 3 of the ERCC6L2 gene, results from a G to C substitution at nucleotide position 557. The serine at codon 186 is replaced by threonine, an amino acid with similar properties. This amino acid position is conserved. In addition, this alteration is predicted to be tolerated by in silico analysis. Based on the available evidence, the clinical significance of this variant remains unclear.

NM_020207.7(ERCC6L2):c.557G>C (p.Ser186Thr)

Gene: ERCC6L2 (ERCC excision repair 6 like 2; plus strand). Cytogenetic location: 9q22.32.
Variant type: single nucleotide variant.
Coding change: c.557G>C on transcript NM_020207.7 (MANE Select); coding-DNA position 557, G replaced by C.
Protein change: p.Ser186Thr; replaces serine 186 with threonine.
Molecular consequence: missense variant. On other transcripts: non-coding transcript variant (1).
Genome position (GRCh38, 1-based): chr9:95,897,934, G>C. VCF-style: chr9-95897934-G-C. GRCh37 (hg19) VCF-style: chr9-98660216-G-C.
Other names: c.557G>C, p.Ser186Thr (NM_001010895.4, NM_001375291.1, NM_001375292.1 and 2 more transcripts); short protein forms S186T.
Identifiers: ClinVar variation 4618707 (VCV004618707.1).